The following is an entry in ClinVar:

ClinVar aggregate classification (germline): Uncertain significance. Review status: criteria provided, multiple submitters, no conflicts (2 of 4 stars). 2 submissions from 2 submitters: Uncertain significance (2). Last evaluated 2023-11-20.

Conditions:
Cardiovascular phenotype. Identifiers: MedGen CN230736.

Allele frequency attached by ClinVar (database versions not stated): gnomAD 0.00001; ExAC 0.00017.
gnomAD v4.1: 28 of 1,549,368 alleles (0.0018%); highest among the groups gnomAD compares: South Asian, 0.018%; 1 homozygote.

Submissions (2):

Labcorp Genetics (formerly Invitae), Labcorp
Classification: Uncertain significance. Last evaluated: 2023-11-20. Review status: criteria provided, single submitter. Criteria: Invitae Variant Classification Sherloc (09022015). Collection method: clinical testing. Allele origin: germline.
Comment: This sequence change replaces glycine, which is neutral and non-polar, with serine, which is neutral and polar, at codon 3218 of the ZNF469 protein (p.Gly3218Ser). This variant is present in population databases (rs746250202, gnomAD 0.02%), including at least one homozygous and/or hemizygous individual. This variant has not been reported in the literature in individuals affected with ZNF469-related conditions. ClinVar contains an entry for this variant (Variation ID: 1767681). Algorithms developed to predict the effect of missense changes on protein structure and function output the following: SIFT: "Not Available"; PolyPhen-2: "Benign"; Align-GVGD: "Not Available". The serine amino acid residue is found in multiple mammalian species, which suggests that this missense change does not adversely affect protein function. In summary, the available evidence is currently insufficient to determine the role of this variant in disease. Therefore, it has been classified as a Variant of Uncertain Significance.

Ambry Genetics
Classification: Uncertain significance for Cardiovascular phenotype. Last evaluated: 2021-10-29. Review status: criteria provided, single submitter. Criteria: Ambry Variant Classification Scheme 2023. Collection method: clinical testing. Allele origin: germline.
Comment: The p.G3218S variant (also known as c.9652G>A), located in coding exon 2 of the ZNF469 gene, results from a G to A substitution at nucleotide position 9652. The glycine at codon 3218 is replaced by serine, an amino acid with similar properties. This amino acid position is conserved. In addition, this alteration is predicted to be tolerated by in silico analysis. Since supporting evidence is limited at this time, the clinical significance of this alteration remains unclear.

NM_001367624.2(ZNF469):c.9736G>A (p.Gly3246Ser)

Gene: ZNF469 (zinc finger protein 469; plus strand). Cytogenetic location: 16q24.2.
Variant type: single nucleotide variant.
Coding change: c.9736G>A on transcript NM_001367624.2 (MANE Select); coding-DNA position 9736, G replaced by A.
Protein change: p.Gly3246Ser; replaces glycine 3246 with serine.
Molecular consequence: missense variant.
Genome position (GRCh38, 1-based): chr16:88,437,206, G>A. VCF-style: chr16-88437206-G-A. GRCh37 (hg19) VCF-style: chr16-88503614-G-A.
Other names: NM_001127464.1:c.9652G>A; short protein forms G3246S.
Identifiers: ClinVar variation 1767681 (VCV001767681.3), dbSNP rs746250202, ClinGen allele CA8225450.